The following is an entry in ClinVar:

ClinVar aggregate classification (germline): Uncertain significance (1 of 4 stars; one submission).

Conditions:
Cardiovascular phenotype. Identifiers: MedGen CN230736.

Submission:

Ambry Genetics
Classification: Uncertain significance for Cardiovascular phenotype. Last evaluated: 2025-03-22. Review status: criteria provided, single submitter. Criteria: Ambry Variant Classification Scheme 2023. Collection method: clinical testing. Allele origin: germline.
Comment: The p.K360R variant (also known as c.1079A>G), located in coding exon 7 of the SPRED1 gene, results from an A to G substitution at nucleotide position 1079. The lysine at codon 360 is replaced by arginine, an amino acid with highly similar properties. This amino acid position is conserved. In addition, this alteration is predicted to be tolerated by in silico analysis. Based on the available evidence, the clinical significance of this variant remains unclear.

NM_152594.3(SPRED1):c.1079A>G (p.Lys360Arg)

Gene: SPRED1 (sprouty related EVH1 domain containing 1; plus strand). Cytogenetic location: 15q14.
Variant type: single nucleotide variant.
Coding change: c.1079A>G on transcript NM_152594.3 (MANE Select); coding-DNA position 1079, A replaced by G.
Protein change: p.Lys360Arg; replaces lysine 360 with arginine.
Molecular consequence: missense variant.
Genome position (GRCh38, 1-based): chr15:38,351,408, A>G. VCF-style: chr15-38351408-A-G. GRCh37 (hg19) VCF-style: chr15-38643609-A-G.
Other names: short protein forms K360R.
Identifiers: ClinVar variation 3961365 (VCV003961365.1).